The following is an entry in ClinVar:

NM_002661.5(PLCG2):c.678C>T (p.Ser226=)

Gene: PLCG2 (phospholipase C gamma 2; plus strand). Cytogenetic location: 16q23.3.
Variant type: single nucleotide variant.
Coding change: c.678C>T on transcript NM_002661.5 (MANE Select); coding-DNA position 678, C replaced by T.
Protein change: p.Ser226=; no amino-acid change (serine 226 retained).
Molecular consequence: synonymous variant.
Genome position (GRCh38, 1-based): chr16:81,880,939, C>T. VCF-style: chr16-81880939-C-T. GRCh37 (hg19) VCF-style: chr16-81914544-C-T.
Other names: p.Ser226=.
Identifiers: ClinVar variation 623890 (VCV000623890.56), dbSNP rs111553163, ClinGen allele CA8193352.

ClinVar aggregate classification (germline): Likely benign. Review status: criteria provided, multiple submitters, no conflicts (2 of 4 stars). 6 submissions from 6 submitters: Likely benign (5). 1 of the submissions does not count toward it. Last evaluated 2025-12-09.

Conditions:
Autoinflammation-PLCG2-associated antibody deficiency-immune dysregulation. Also called: AUTOINFLAMMATION, ANTIBODY DEFICIENCY, AND IMMUNE DYSREGULATION; Autoinflammation, antibody deficiency, and immune dysregulation syndrome; Autoinflammation, antibody deficiency, and immune dysregulation, plcg2-associated. Identifiers: Orphanet 324530, MedGen C3553961, MONDO:0013944, OMIM 614878.
Familial cold autoinflammatory syndrome 3 (FCAS3). Also called: ANTIBODY DEFICIENCY AND IMMUNE DYSREGULATION, PLCG2-ASSOCIATED; FAMILIAL ATYPICAL COLD URTICARIA. Identifiers: Orphanet 300359, MedGen C3280914, MONDO:0013766, OMIM 614468.
PLCG2-related disorder. Also called: PLCG2-related condition.

Allele frequency attached by ClinVar (database versions not stated): gnomAD 0.00019 and 0.00021; TOPMed 0.00020; ExAC 0.00021; gnomAD exomes 0.00024 and 0.00050; ESP Exome Variant Server 0.00033.
gnomAD v4.1: 737 of 1,613,962 alleles (0.046%); highest among the groups gnomAD compares: Non-Finnish European, 0.06%; no homozygotes.

Submissions (6):

Labcorp Genetics (formerly Invitae), Labcorp
Classification: Likely benign for Familial cold autoinflammatory syndrome 3. Last evaluated: 2025-12-09. Review status: criteria provided, single submitter. Criteria: Invitae Variant Classification Sherloc (09022015). Collection method: clinical testing. Allele origin: germline.

Mayo Clinic Laboratories, Mayo Clinic
Classification: Likely benign. Last evaluated: 2025-09-07. Review status: criteria provided, single submitter. Criteria: ACMG Guidelines, 2015. Collection method: clinical testing. Allele origin: germline. Observed: 2 variant alleles.
Comment: BP4, BP7

Blueprint Genetics
Classification: Likely benign. Last evaluated: 2024-10-24. Review status: criteria provided, single submitter. Criteria: ACMG Guidelines, 2015. Collection method: clinical testing. Allele origin: germline.

Fulgent Genetics
Classification: Likely benign for Familial cold autoinflammatory syndrome 3; Autoinflammation-PLCG2-associated antibody deficiency-immune dysregulation. Last evaluated: 2021-12-11. Review status: criteria provided, single submitter. Criteria: ACMG Guidelines, 2015. Collection method: clinical testing. Allele origin: unknown.

CeGaT Center for Human Genetics Tuebingen
Classification: Likely benign. Last evaluated: 2020-09-01. Review status: criteria provided, single submitter. Criteria: CeGaT Center For Human Genetics Tuebingen Variant Classification Criteria Version 2. Collection method: clinical testing. Allele origin: germline. Affected: yes. Observed: 2 variant alleles.

PreventionGenetics, part of Exact Sciences
Classification: Likely benign for PLCG2-related condition. Last evaluated: 2023-07-25. Review status: no assertion criteria provided. Collection method: clinical testing. Allele origin: germline. Not counted in ClinVar's aggregate classification.
Comment: This variant is classified as likely benign based on ACMG/AMP sequence variant interpretation guidelines (Richards et al. 2015 PMID: 25741868, with internal and published modifications).